The following is an entry in ClinVar:

NM_002458.3(MUC5B):c.3186G>A (p.Pro1062=)

Gene: MUC5B (mucin 5B, oligomeric mucus/gel-forming; plus strand). Cytogenetic location: 11p15.5.
Variant type: single nucleotide variant.
Coding change: c.3186G>A on transcript NM_002458.3 (MANE Select); coding-DNA position 3186, G replaced by A.
Protein change: p.Pro1062=; no amino-acid change (proline 1062 retained).
Molecular consequence: synonymous variant.
Genome position (GRCh38, 1-based): chr11:1,237,053, G>A. VCF-style: chr11-1237053-G-A. GRCh37 (hg19) VCF-style: chr11-1258283-G-A.
Identifiers: ClinVar variation 403128 (VCV000403128.5), dbSNP rs78669250, ClinGen allele CA5804984.

ClinVar aggregate classification (germline): Benign (1 of 4 stars; one submission).

Allele frequency attached by ClinVar (database versions not stated): gnomAD 0.00003; TOPMed 0.00008; ExAC 0.48646.
gnomAD v4.1: 65 of 1,580,754 alleles (0.0041%); highest among the groups gnomAD compares: Admixed American, 0.05%; no homozygotes.

Submissions (4):

Laboratory for Molecular Medicine, Mass General Brigham Personalized Medicine
Classification: Benign. Last evaluated: 2016-03-28. Review status: criteria provided, single submitter. Criteria: LMM Criteria. Collection method: clinical testing. Allele origin: germline.
Comment: Variant identified in a genome or exome case(s) and assessed due to predicted null impact of the variant or pathogenic assertions in the literature or databases. Disclaimer: This variant has not undergone full assessment. The following are preliminary notes: Frequency

Dr. Peter K. Rogan Lab, Western University
No classification provided (evidence only). Condition: Acute myeloid leukemia. Review status: no classification provided. Collection method: in vitro. Allele origin: not applicable. Functional consequence: retained intron. Not counted in ClinVar's aggregate classification.

Dr. Peter K. Rogan Lab, Western University
No classification provided (evidence only). Condition: Ovarian serous cystadenocarcinoma. Review status: no classification provided. Collection method: in vitro. Allele origin: not applicable. Functional consequence: retained intron. Not counted in ClinVar's aggregate classification.

Dr. Peter K. Rogan Lab, Western University
No classification provided (evidence only). Condition: Ovarian serous cystadenocarcinoma. Review status: no classification provided. Collection method: in vitro. Allele origin: not applicable. Functional consequence: retained intron. Not counted in ClinVar's aggregate classification.